The following is an entry in ClinVar:

ClinVar aggregate classification (germline): Conflicting classifications of pathogenicity. Review status: criteria provided, conflicting classifications (1 of 4 stars). 6 submissions from 6 submitters: Uncertain significance (1); Likely benign (4). 1 of the submissions does not count toward it. Last evaluated 2026-08-01.

Conditions:
Fanconi anemia (FA). Also called: Fanconi's anemia. Identifiers: Orphanet 84, MedGen C0015625, MeSH D005199, MONDO:0019391.
Fanconi anemia complementation group A (FANCA). Also called: FANCA-Related Fanconi Anemia; Fanconi anemia, group A. Identifiers: Orphanet 84, MedGen C3469521, MONDO:0009215, OMIM 227650.

Allele frequency attached by ClinVar (database versions not stated): gnomAD exomes 0.00004 and 0.00007; gnomAD 0.00006; ExAC 0.00008; TOPMed 0.00008.
gnomAD v4.1: 65 of 1,613,758 alleles (0.004%); highest among the groups gnomAD compares: Middle Eastern, 0.1%; no homozygotes.

Submissions (6):

CeGaT Center for Human Genetics Tuebingen
Classification: Likely benign. Last evaluated: 2026-08-01. Review status: criteria provided, single submitter. Criteria: CeGaT Center For Human Genetics Tuebingen Variant Classification Criteria Version 2. Collection method: clinical testing. Allele origin: germline. Affected: yes. Observed: 1 variant allele.
Comment: FANCA: BP4, BP7

Labcorp Genetics (formerly Invitae), Labcorp
Classification: Likely benign for Fanconi anemia. Last evaluated: 2025-12-08. Review status: criteria provided, single submitter. Criteria: Invitae Variant Classification Sherloc (09022015). Collection method: clinical testing. Allele origin: germline.

Quest Diagnostics Nichols Institute San Juan Capistrano
Classification: Uncertain significance. Last evaluated: 2023-12-05. Review status: criteria provided, single submitter. Criteria: Quest Diagnostics criteria. Collection method: clinical testing. Allele origin: unknown.
Comment: The FANCA c.1734C>T (p.Tyr578=) synonymous variant has been reported in the published literature in hereditary cancer patients (PMID: 32235514 (2020)). The frequency of this variant in the general population, 0.0002 (7/35424 chromosomes (Genome Aggregation Database)), is uninformative in the assessment of its pathogenicity. Analysis of this variant using software algorithms for the prediction of the effect of nucleotide changes on splicing yielded predictions that this variant does not affect FANCA mRNA splicing. Based on the available information, we are unable to determine the clinical significance of this variant.

Fulgent Genetics
Classification: Likely benign for Fanconi anemia complementation group A. Last evaluated: 2021-08-30. Review status: criteria provided, single submitter. Criteria: ACMG Guidelines, 2015. Collection method: clinical testing. Allele origin: unknown.

Genetic Services Laboratory, University of Chicago
Classification: Likely benign. Last evaluated: 2021-01-08. Review status: criteria provided, single submitter. Criteria: ACMG Guidelines, 2015. Collection method: clinical testing. Allele origin: germline. Affected: no.

Natera, Inc.
Classification: Likely benign for Fanconi anemia. Last evaluated: 2020-02-28. Review status: no assertion criteria provided. Collection method: clinical testing. Allele origin: germline. Not counted in ClinVar's aggregate classification.

Literature cited by the submitters: PubMed 32235514 (cited by Quest Diagnostics Nichols Institute San Juan Capistrano).

NM_000135.4(FANCA):c.1734C>T (p.Tyr578=)

Gene: FANCA (FA complementation group A; minus strand). Cytogenetic location: 16q24.3.
Variant type: single nucleotide variant.
Coding change: c.1734C>T on transcript NM_000135.4 (MANE Select); coding-DNA position 1734, C replaced by T.
Protein change: p.Tyr578=; no amino-acid change (tyrosine 578 retained).
Molecular consequence: synonymous variant.
Genome position (GRCh38, 1-based): chr16:89,778,985, G>A on the plus strand (C>T on the coding strand, the complement: FANCA is on the minus strand). VCF-style: chr16-89778985-G-A. GRCh37 (hg19) VCF-style: chr16-89845393-G-A.
Other names: c.1734C>T, p.Tyr578= (NM_001286167.3).
Identifiers: ClinVar variation 701799 (VCV000701799.21), dbSNP rs762647468, ClinGen allele CA8252125.